The following is an entry in ClinVar:

ClinVar aggregate classification (germline): Likely benign (0 of 4 stars; one submission).

Conditions:
CFHR3-related disorder. Also called: CFHR3-related condition.

Allele frequency attached by ClinVar (database versions not stated): gnomAD exomes 0.00002; gnomAD 0.00003; TOPMed 0.00003; ExAC 0.00010.
gnomAD v4.1: 25 of 1,532,496 alleles (0.0016%); highest among the groups gnomAD compares: East Asian, 0.045%; no homozygotes.

Submission:

PreventionGenetics, part of Exact Sciences
Classification: Likely benign for CFHR3-related condition. Last evaluated: 2022-10-12. Review status: no assertion criteria provided. Collection method: clinical testing. Allele origin: germline.
Comment: This variant is classified as likely benign based on ACMG/AMP sequence variant interpretation guidelines (Richards et al. 2015 PMID: 25741868, with internal and published modifications).

NM_021023.6(CFHR3):c.300T>C (p.Tyr100=)

Gene: CFHR3 (complement factor H related 3; plus strand). Cytogenetic location: 1q31.3.
Variant type: single nucleotide variant.
Coding change: c.300T>C on transcript NM_021023.6 (MANE Select); coding-DNA position 300, T replaced by C.
Protein change: p.Tyr100=; no amino-acid change (tyrosine 100 retained).
Molecular consequence: synonymous variant.
Genome position (GRCh38, 1-based): chr1:196,779,843, T>C. VCF-style: chr1-196779843-T-C. GRCh37 (hg19) VCF-style: chr1-196748973-T-C.
Other names: c.300T>C, p.Tyr100= (NM_001166624.2).
Identifiers: ClinVar variation 3053010 (VCV003053010.2), dbSNP rs755529526, ClinGen allele CA1306109.